The following is an entry in ClinVar:

NM_016026.4(RDH11):c.523G>A (p.Val175Met)

Genes: GPHN (gephyrin; plus strand), RDH11 (retinol dehydrogenase 11; minus strand). Cytogenetic location: 14q24.1.
Variant type: single nucleotide variant.
Coding change: c.523G>A on transcript NM_016026.4 (MANE Select); coding-DNA position 523, G replaced by A.
Protein change: p.Val175Met; replaces valine 175 with methionine.
Molecular consequence: missense variant. On other transcripts: intron variant (1).
Genome position (GRCh38, 1-based): chr14:67,690,353, C>T on the plus strand (G>A on the coding strand, the complement: RDH11 is on the minus strand). VCF-style: chr14-67690353-C-T. GRCh37 (hg19) VCF-style: chr14-68157070-C-T.
Other names: c.454+787G>A (NM_001252650.2); short protein forms V175M.
Identifiers: ClinVar variation 965137 (VCV000965137.10), dbSNP rs747812505, ClinGen allele CA7238367.

ClinVar aggregate classification (germline): Uncertain significance (1 of 4 stars; one submission).

Allele frequency attached by ClinVar (database versions not stated): gnomAD exomes below 0.00001 and 0.00001; ExAC 0.00001; TOPMed 0.00001.
gnomAD v4.1: 1 of 1,614,162 alleles (0.000062%); highest among the groups gnomAD compares: East Asian, 0.0022%; no homozygotes.

Submission:

Labcorp Genetics (formerly Invitae), Labcorp
Classification: Uncertain significance. Last evaluated: 2022-08-31. Review status: criteria provided, single submitter. Criteria: Invitae Variant Classification Sherloc (09022015). Collection method: clinical testing. Allele origin: germline.
Comment: In summary, the available evidence is currently insufficient to determine the role of this variant in disease. Therefore, it has been classified as a Variant of Uncertain Significance. Algorithms developed to predict the effect of missense changes on protein structure and function are either unavailable or do not agree on the potential impact of this missense change (SIFT: "Deleterious"; PolyPhen-2: "Possibly Damaging"; Align-GVGD: "Class C0"). ClinVar contains an entry for this variant (Variation ID: 965137). This variant has not been reported in the literature in individuals affected with RDH11-related conditions. This variant is present in population databases (rs747812505, gnomAD 0.01%). This sequence change replaces valine, which is neutral and non-polar, with methionine, which is neutral and non-polar, at codon 175 of the RDH11 protein (p.Val175Met).